The following is an entry in ClinVar:

ClinVar aggregate classification (germline): Uncertain significance. Review status: criteria provided, multiple submitters, no conflicts (2 of 4 stars). 4 submissions from 4 submitters: Uncertain significance (3). 1 of the submissions does not count toward it. Last evaluated 2025-08-11.

Conditions:
Inborn genetic diseases. Identifiers: MedGen C0950123, MeSH D030342.
Usher syndrome type 3A (USH3A). Also called: USHER SYNDROME, TYPE IIIA. Identifiers: MedGen C5779850, MONDO:0010170, OMIM 276902.

Allele frequency attached by ClinVar (database versions not stated): gnomAD exomes 0.00001; ExAC 0.00001; TOPMed 0.00002.

Submissions (4):

GeneDx
Classification: Uncertain significance. Last evaluated: 2025-08-11. Review status: criteria provided, single submitter. Criteria: GeneDx Variant Classification Process June 2021. Collection method: clinical testing. Allele origin: germline.
Comment: Not observed at significant frequency in large population cohorts (gnomAD); In silico analysis suggests that this missense variant does not alter protein structure/function; Has not been previously published as pathogenic or benign to our knowledge

Ambry Genetics
Classification: Uncertain significance for Inborn genetic diseases. Last evaluated: 2024-09-08. Review status: criteria provided, single submitter. Criteria: Ambry Variant Classification Scheme 2023. Collection method: clinical testing. Allele origin: germline.

Labcorp Genetics (formerly Invitae), Labcorp
Classification: Uncertain significance. Last evaluated: 2022-10-28. Review status: criteria provided, single submitter. Criteria: Invitae Variant Classification Sherloc (09022015). Collection method: clinical testing. Allele origin: germline.
Comment: This sequence change replaces valine, which is neutral and non-polar, with isoleucine, which is neutral and non-polar, at codon 177 of the CLRN1 protein (p.Val177Ile). This variant is present in population databases (rs753739519, gnomAD 0.006%). This variant has not been reported in the literature in individuals affected with CLRN1-related conditions. ClinVar contains an entry for this variant (Variation ID: 840237). Algorithms developed to predict the effect of missense changes on protein structure and function output the following: SIFT: "Tolerated"; PolyPhen-2: "Benign"; Align-GVGD: "Class C0". The isoleucine amino acid residue is found in multiple mammalian species, which suggests that this missense change does not adversely affect protein function. In summary, the available evidence is currently insufficient to determine the role of this variant in disease. Therefore, it has been classified as a Variant of Uncertain Significance.

Natera, Inc.
Classification: Uncertain significance for Usher syndrome type 3A. Last evaluated: 2020-05-02. Review status: no assertion criteria provided. Collection method: clinical testing. Allele origin: germline. Not counted in ClinVar's aggregate classification.

NM_174878.3(CLRN1):c.529G>A (p.Val177Ile)

Gene: CLRN1 (clarin 1; minus strand). Cytogenetic location: 3q25.1.
Variant type: single nucleotide variant.
Coding change: c.529G>A on transcript NM_174878.3 (MANE Select); coding-DNA position 529, G replaced by A.
Protein change: p.Val177Ile; replaces valine 177 with isoleucine.
Molecular consequence: missense variant. On other transcripts: 3 prime UTR variant (1), non-coding transcript variant (1).
Genome position (GRCh38, 1-based): chr3:150,928,106, C>T on the plus strand (G>A on the coding strand, the complement: CLRN1 is on the minus strand). VCF-style: chr3-150928106-C-T. GRCh37 (hg19) VCF-style: chr3-150645893-C-T.
Other names: c.568G>A, p.Val190Ile (NM_001195794.1); c.*143G>A (NM_001256819.2); c.301G>A, p.Val101Ile (NM_052995.2); short protein forms V101I, V177I, V190I.
Identifiers: ClinVar variation 840237 (VCV000840237.7), dbSNP rs753739519, ClinGen allele CA2666020.